The following is an entry in ClinVar:

ClinVar aggregate classification (germline): Uncertain significance (1 of 4 stars; one submission).

Submission:

Labcorp Genetics (formerly Invitae), Labcorp
Classification: Uncertain significance. Last evaluated: 2021-10-19. Review status: criteria provided, single submitter. Criteria: Invitae Variant Classification Sherloc (09022015). Collection method: clinical testing. Allele origin: unknown.
Comment: In summary, the available evidence is currently insufficient to determine the role of this variant in disease. Therefore, it has been classified as a Variant of Uncertain Significance. Experimental studies and prediction algorithms are not available or were not evaluated, and the functional significance of this variant is currently unknown. This variant has not been reported in the literature in individuals affected with RAB28-related conditions. A copy number gain of the genomic region encompassing the full coding sequence of the RAB28 gene has been identified. The boundaries of this event are unknown as they extend beyond the assayed region for this gene and therefore may encompass additional genes. As the precise location of this event is unknown, it may be in tandem or it may be located elsewhere in the genome.

NC_000004.11:g.(?_13371500)_(13546038_?)dup

Genes: NKX3-2 (NK3 homeobox 2; minus strand), RAB28 (RAB28, member RAS oncogene family; minus strand). Cytogenetic location: 4p15.33.
Variant type: Duplication.
Identifiers: ClinVar variation 3246732 (VCV003246732.1).